The following is an entry in ClinVar:

ClinVar aggregate classification (germline): Uncertain significance (1 of 4 stars; one submission).

Allele frequency attached by ClinVar (database versions not stated): gnomAD exomes below 0.00001.
gnomAD v4.1: 4 of 1,613,956 alleles (0.00025%); highest among the groups gnomAD compares: Non-Finnish European, 0.00025%; no homozygotes.

Submission:

Labcorp Genetics (formerly Invitae), Labcorp
Classification: Uncertain significance. Last evaluated: 2022-03-30. Review status: criteria provided, single submitter. Criteria: Invitae Variant Classification Sherloc (09022015). Collection method: clinical testing. Allele origin: germline.
Comment: This sequence change falls in intron 25 of the WDR62 gene. It does not directly change the encoded amino acid sequence of the WDR62 protein. This variant is present in population databases (no rsID available, gnomAD 0.0008%). This variant has not been reported in the literature in individuals affected with WDR62-related conditions. Algorithms developed to predict the effect of sequence changes on RNA splicing suggest that this variant may create or strengthen a splice site. In summary, the available evidence is currently insufficient to determine the role of this variant in disease. Therefore, it has been classified as a Variant of Uncertain Significance.

NM_001083961.2(WDR62):c.3083-17C>G

Gene: WDR62 (WD repeat domain 62; plus strand). Cytogenetic location: 19q13.12.
Variant type: single nucleotide variant.
Coding change: c.3083-17C>G on transcript NM_001083961.2 (MANE Select); 17 bases into the intron before coding-DNA position 3083, C replaced by G.
Molecular consequence: intron variant.
Genome position (GRCh38, 1-based): chr19:36,101,997, C>G. VCF-style: chr19-36101997-C-G. GRCh37 (hg19) VCF-style: chr19-36592899-C-G.
Other names: c.3083-17C>G (NM_173636.5).
Identifiers: ClinVar variation 1906480 (VCV001906480.2), dbSNP rs999363110, ClinGen allele CA307841995.